The following is an entry in ClinVar:

ClinVar aggregate classification (germline): Uncertain significance (1 of 4 stars; one submission).

Conditions:
Hypoplastic left heart syndrome. Also called: Hypoplastic left ventricle; Hypoplastic left heart. Identifiers: Orphanet 2248, MedGen C0152101, MONDO:0004933, HP:0004383.

Allele frequency attached by ClinVar (database versions not stated): gnomAD exomes below 0.00001 and 0.00001; TOPMed below 0.00001.
gnomAD v4.1: 1 of 1,601,476 alleles (0.000062%); highest among the groups gnomAD compares: East Asian, 0.0022%; no homozygotes.

Submission:

Labcorp Genetics (formerly Invitae), Labcorp
Classification: Uncertain significance for Hypoplastic left heart syndrome. Last evaluated: 2023-05-22. Review status: criteria provided, single submitter. Criteria: Invitae Variant Classification Sherloc (09022015). Collection method: clinical testing. Allele origin: germline.
Comment: In summary, the available evidence is currently insufficient to determine the role of this variant in disease. Therefore, it has been classified as a Variant of Uncertain Significance. An algorithm developed to predict the effect of missense changes on protein structure and function (PolyPhen-2) suggests that this variant is likely to be tolerated. ClinVar contains an entry for this variant (Variation ID: 1396928). This variant has not been reported in the literature in individuals affected with HAND1-related conditions. This variant is present in population databases (no rsID available, gnomAD 0.01%). This sequence change replaces aspartic acid, which is acidic and polar, with valine, which is neutral and non-polar, at codon 51 of the HAND1 protein (p.Asp51Val).

NM_004821.3(HAND1):c.152A>T (p.Asp51Val)

Gene: HAND1 (heart and neural crest derivatives expressed 1; minus strand). Cytogenetic location: 5q33.2.
Variant type: single nucleotide variant.
Coding change: c.152A>T on transcript NM_004821.3 (MANE Select); coding-DNA position 152, A replaced by T.
Protein change: p.Asp51Val; replaces aspartic acid 51 with valine.
Molecular consequence: missense variant.
Genome position (GRCh38, 1-based): chr5:154,477,857, T>A on the plus strand (A>T on the coding strand, the complement: HAND1 is on the minus strand). VCF-style: chr5-154477857-T-A. GRCh37 (hg19) VCF-style: chr5-153857417-T-A.
Other names: short protein forms D51V.
Identifiers: ClinVar variation 1396928 (VCV001396928.6), dbSNP rs1365842411, ClinGen allele CA361923396.